The following is an entry in ClinVar:

ClinVar aggregate classification (germline): Pathogenic. Review status: criteria provided, multiple submitters, no conflicts (2 of 4 stars). 6 submissions from 6 submitters: Pathogenic (5). 1 of the submissions does not count toward it. Last evaluated 2025-03-31.

Conditions:
X-linked lymphoproliferative syndrome. Also called: X-Linked Lymphoproliferative Disease. Identifiers: Orphanet 2442, MedGen C0549463, MONDO:0010627.
X-linked lymphoproliferative disease due to SH2D1A deficiency (XLP1). Also called: IMMUNODEFICIENCY 5; IMMUNODEFICIENCY, X-LINKED PROGRESSIVE COMBINED VARIABLE; INFECTIOUS MONONUCLEOSIS, SEVERE, SUSCEPTIBILITY TO; DUNCAN DISEASE; PURTILO SYNDROME; SH2D1A-Related Lymphoproliferative Disease, X-Linked. Identifiers: Orphanet 2442, Orphanet 538931, MedGen C5399825, MONDO:0024551, OMIM 308240.

Submissions (6):

Labcorp Genetics (formerly Invitae), Labcorp
Classification: Pathogenic for X-linked lymphoproliferative disease due to SH2D1A deficiency. Last evaluated: 2025-03-31. Review status: criteria provided, single submitter. Criteria: Invitae Variant Classification Sherloc (09022015). Collection method: clinical testing. Allele origin: germline.
Comment: This sequence change creates a premature translational stop signal (p.Arg55*) in the SH2D1A gene. It is expected to result in an absent or disrupted protein product. Loss-of-function variants in SH2D1A are known to be pathogenic (PMID: 9771704, 11049992, 15711562). This variant is not present in population databases (gnomAD no frequency). This premature translational stop signal has been observed in individual(s) with X-linked lymphoproliferative disease (PMID: 9771704, 11520777, 19621458, 24923536, 27209435). This variant is also known as C462T. ClinVar contains an entry for this variant (Variation ID: 10898). Algorithms developed to predict the effect of sequence changes on RNA splicing suggest that this variant may disrupt the consensus splice site. For these reasons, this variant has been classified as Pathogenic.

Guangxi Key Laboratory of Thalassemia Research, Guangxi Medical University
Classification: Pathogenic for X-linked lymphoproliferative disease due to SH2D1A deficiency. Last evaluated: 2024-08-28. Review status: criteria provided, single submitter. Criteria: ACMG Guidelines, 2015. Collection method: clinical testing. Allele origin: inherited. Inheritance: X-linked recessive inheritance. Affected: yes. Observed: 1 heterozygote.
Comment: The c.163C>T variant in SH2D1A has been reported in Five patients.

Department of Human Genetics, Hannover Medical School
Classification: Pathogenic for X-linked lymphoproliferative disease due to SH2D1A deficiency. Last evaluated: 2023-08-16. Review status: criteria provided, single submitter. Criteria: ACMG Guidelines, 2015. Collection method: clinical testing. Allele origin: germline. Inheritance: X-linked inheritance. Affected: yes.

CeGaT Center for Human Genetics Tuebingen
Classification: Pathogenic. Last evaluated: 2019-11-01. Review status: criteria provided, single submitter. Criteria: CeGaT Center For Human Genetics Tuebingen Variant Classification Criteria Version 2. Collection method: clinical testing. Allele origin: germline. Affected: yes. Observed: 1 variant allele.

Women's Health and Genetics/Laboratory Corporation of America, LabCorp
Classification: Pathogenic for X-linked lymphoproliferative syndrome. Last evaluated: 2017-05-19. Review status: criteria provided, single submitter. Criteria: LabCorp Variant Classification Summary - May 2015. Collection method: clinical testing. Allele origin: germline.
Comment: Variant summary: The SH2D1A c.163C>T (p.Arg55X) variant results in a premature termination codon, predicted to cause a truncated or absent SH2D1A protein due to nonsense mediated decay, which are commonly known mechanisms for disease. Functional studies showed no signaling lymphocyte activation moleculeassociated protein (SAP) expression in NK cells and no (or limited) expression in T cells in XLP patients. One truncation downstream of this position has been classified as pathogenic by our laboratory (e.g. c.191G>A, p.Trp64X). One in silico tool predicts a damaging outcome for this variant. The variant of interest was absent in a large, broad control population, ExAC in 0/87863 control chromosomes. This variant was found in multiple patients with XLP (Marsh_SH2S1A_BioBlood&MarrowTranspl_2014, Chen_ItJouPed_2016, Palendira_JEM_2012). Multiple clinical diagnostic laboratories/reputable databases (including OMIM) classified this variant as pathogenic. Taken together, this variant is classified as pathogenic.

OMIM
Classification: Pathogenic for LYMPHOPROLIFERATIVE SYNDROME, X-LINKED, 1. Last evaluated: 2000-03-05. Review status: no assertion criteria provided. Collection method: literature only. Allele origin: germline. Not counted in ClinVar's aggregate classification.

Literature cited by the submitters: PubMed 9771704 (cited by 3 submitters); PubMed 11049992 (cited by Labcorp Genetics (formerly Invitae), Labcorp); PubMed 15711562 (cited by Labcorp Genetics (formerly Invitae), Labcorp); PubMed 11520777 (cited by Labcorp Genetics (formerly Invitae), Labcorp); PubMed 19621458 (cited by Labcorp Genetics (formerly Invitae), Labcorp); PubMed 24923536 (cited by Labcorp Genetics (formerly Invitae), Labcorp); PubMed 27209435 (cited by Labcorp Genetics (formerly Invitae), Labcorp and Women's Health and Genetics/Laboratory Corporation of America, LabCorp); DOI 10.1002/pbc.22185 (cited by Guangxi Key Laboratory of Thalassemia Research, Guangxi Medical University); PubMed 11414741 (cited by Women's Health and Genetics/Laboratory Corporation of America, LabCorp); PubMed 9811875 (cited by Women's Health and Genetics/Laboratory Corporation of America, LabCorp); PubMed 15908972 (cited by Women's Health and Genetics/Laboratory Corporation of America, LabCorp); PubMed 22493517 (cited by Women's Health and Genetics/Laboratory Corporation of America, LabCorp); PubMed 15359110 (cited by Women's Health and Genetics/Laboratory Corporation of America, LabCorp); PubMed 24985396 (cited by Women's Health and Genetics/Laboratory Corporation of America, LabCorp); PubMed 14583885 (cited by Women's Health and Genetics/Laboratory Corporation of America, LabCorp); PubMed 21707584 (cited by Women's Health and Genetics/Laboratory Corporation of America, LabCorp); PubMed 10694488 (cited by Women's Health and Genetics/Laboratory Corporation of America, LabCorp and OMIM); PubMed 10598819 (cited by Women's Health and Genetics/Laboratory Corporation of America, LabCorp); PubMed 11159547 (cited by Women's Health and Genetics/Laboratory Corporation of America, LabCorp); PubMed 10934222 (cited by Women's Health and Genetics/Laboratory Corporation of America, LabCorp); PubMed 11493483 (cited by Women's Health and Genetics/Laboratory Corporation of America, LabCorp); PubMed 12224001 (cited by Women's Health and Genetics/Laboratory Corporation of America, LabCorp); PubMed 15661030 (cited by Women's Health and Genetics/Laboratory Corporation of America, LabCorp).

NM_002351.5(SH2D1A):c.163C>T (p.Arg55Ter)

Gene: SH2D1A (SH2 domain containing 1A; plus strand). Cytogenetic location: Xq25.
Variant type: single nucleotide variant.
Coding change: c.163C>T on transcript NM_002351.5 (MANE Select); coding-DNA position 163, C replaced by T.
Protein change: p.Arg55Ter; replaces arginine 55 with a stop codon.
Molecular consequence: nonsense.
Genome position (GRCh38, 1-based): chrX:124,365,786, C>T. VCF-style: chrX-124365786-C-T. GRCh37 (hg19) VCF-style: chrX-123499636-C-T.
Other names: 163C-T; c.163C>T, p.Arg55Ter (NM_001114937.3); short protein forms R55*.
Identifiers: ClinVar variation 10898 (VCV000010898.52), dbSNP rs111033623, ClinGen allele CA255589.
Genomic context (GRCh38, chrX:124,365,786, plus strand): 5'-GAATCTTTCAGTAATGGAAGTTTATTCTTTCACAGGTATCACGGTTACATTTATACATAC[C>T]GAGTGTCCCAGACAGAAACAGGTTCTTGGAGTGCTGAGGTATAGTTGTATTTATTTTTGC-3'